The following is an entry in ClinVar:

NM_001382430.1(AKT1):c.1207A>G (p.Met403Val)

Gene: AKT1 (AKT serine/threonine kinase 1; minus strand). Cytogenetic location: 14q32.33.
Variant type: single nucleotide variant.
Coding change: c.1207A>G on transcript NM_001382430.1 (MANE Select); coding-DNA position 1207, A replaced by G.
Protein change: p.Met403Val; replaces methionine 403 with valine.
Molecular consequence: missense variant.
Genome position (GRCh38, 1-based): chr14:104,772,418, T>C on the plus strand (A>G on the coding strand, the complement: AKT1 is on the minus strand). VCF-style: chr14-104772418-T-C. GRCh37 (hg19) VCF-style: chr14-105238755-T-C.
Other names: c.1207A>G, p.Met403Val (NM_001014431.2, NM_001014432.2, NM_001382431.1 and 3 more transcripts); short protein forms M403V.
Identifiers: ClinVar variation 3224613 (VCV003224613.1), dbSNP rs2542115589, ClinGen allele CA391216293.

ClinVar aggregate classification (germline): Uncertain significance (1 of 4 stars; one submission).

Conditions:
Inborn genetic diseases. Identifiers: MedGen C0950123, MeSH D030342.

Submission:

Ambry Genetics
Classification: Uncertain significance for Inborn genetic diseases. Last evaluated: 2023-11-28. Review status: criteria provided, single submitter. Criteria: Ambry Variant Classification Scheme 2023. Collection method: clinical testing. Allele origin: germline.
Comment: The p.M403V variant (also known as c.1207A>G), located in coding exon 11 of the AKT1 gene, results from an A to G substitution at nucleotide position 1207. The methionine at codon 403 is replaced by valine, an amino acid with highly similar properties. This amino acid position is conserved. In addition, the in silico prediction for this alteration is inconclusive. Since supporting evidence is limited at this time, the clinical significance of this alteration remains unclear.